The following is an entry in ClinVar:

NM_001034853.2(RPGR):c.2433del (p.Glu813fs)

Gene: RPGR (retinitis pigmentosa GTPase regulator; minus strand). Cytogenetic location: Xp11.4.
Variant type: Deletion.
Coding change: c.2433del on transcript NM_001034853.2 (MANE Select); coding-DNA position 2433, one base deleted (A; older notation c.2433delA).
Protein change: p.Glu813fs; shifts the reading frame from glutamic acid 813.
Molecular consequence: frameshift variant. On other transcripts: intron variant (8).
Genome position (GRCh38, 1-based): chrX:38,286,566, T deleted on the plus strand (A on the coding strand, the reverse complement: RPGR is on the minus strand). VCF-style (leftmost placement, unchanged base first): chrX-38286565-CT-C. GRCh37 (hg19) VCF-style: chrX-38145818-CT-C.
Other names: c.1569+4393del (NM_001367249.1, NM_001367250.1); c.1902+528del (NM_001367245.1); c.1386+4393del (NM_001367251.1); c.1719+528del (NM_001367246.1); c.1572+4393del (NM_001367247.1); c.1905+528del (NM_000328.3); c.1602+4393del (NM_001367248.1); short protein forms E813fs.
Identifiers: ClinVar variation 2837992 (VCV002837992.3), dbSNP rs2519791019, ClinGen allele CA2739273390.
Genomic context (GRCh38, chrX:38,286,565, plus strand): 5'-CCTCCTCTTCCTCTTCCCTCTCTCCTTTCCCCTCCTCTACTTCCCCTCCCTCTACTTCCC[CT>C]CCCTCCTCTTTTTCCTCCCCTCTCCCCTCTGTTTCCTCCTCTTCCCCCTCTCCTTGGTCT-3'

ClinVar aggregate classification (germline): Pathogenic (1 of 4 stars; one submission).

Conditions:
Primary ciliary dyskinesia. Also called: Ciliary dyskinesia. Identifiers: Orphanet 244, MedGen C0008780, MONDO:0016575, HP:0012265.

Submission:

Labcorp Genetics (formerly Invitae), Labcorp
Classification: Pathogenic for Primary ciliary dyskinesia. Last evaluated: 2023-02-16. Review status: criteria provided, single submitter. Criteria: Invitae Variant Classification Sherloc (09022015). Collection method: clinical testing. Allele origin: germline.
Comment: This variant is not present in population databases (gnomAD no frequency). For these reasons, this variant has been classified as Pathogenic. This variant disrupts a region of the RPGR (ORF15) protein in which other variant(s) (p.Leu1130Lysfs*13) have been determined to be pathogenic (PMID: 22264887; Invitae). This suggests that this is a clinically significant region of the protein, and that variants that disrupt it are likely to be disease-causing. This variant has not been reported in the literature in individuals affected with RPGR (ORF15)-related conditions. This sequence change creates a premature translational stop signal (p.Glu813Lysfs*2) in the RPGR (ORF15) gene. While this is not anticipated to result in nonsense mediated decay, it is expected to disrupt the last 340 amino acid(s) of the RPGR (ORF15) protein.

Literature cited by the submitters: PubMed 22264887.